The following is an entry in ClinVar:

NM_004655.4(AXIN2):c.-2C>T

Gene: AXIN2 (axin 2; minus strand). Cytogenetic location: 17q24.1.
Variant type: single nucleotide variant.
Coding change: c.-2C>T on transcript NM_004655.4 (MANE Select); 2 bases upstream of the start codon, C replaced by T.
Molecular consequence: 5 prime UTR variant.
Genome position (GRCh38, 1-based): chr17:65,558,622, G>A on the plus strand (C>T on the coding strand, the complement: AXIN2 is on the minus strand). VCF-style: chr17-65558622-G-A. GRCh37 (hg19) VCF-style: chr17-63554740-G-A.
Other names: c.-2C>T (NM_001363813.1).
Identifiers: ClinVar variation 1798660 (VCV001798660.3), dbSNP rs2044313983, ClinGen allele CA2270894583.
Genomic context (GRCh38, chr17:65,558,622, plus strand): 5'-TCCTCACGGAAGCTGCTGCTGGGGTCCGGGAGGCAAGTCACCAACATAGCGCTACTCATG[G>A]TGAGGGAGCTCTTCCCACTGAGTCTGGGAATTTTTCTTCTTCCAGTTCCTCTCAGCAATC-3'

ClinVar aggregate classification (germline): Uncertain significance (1 of 4 stars; one submission).

Conditions:
Hereditary cancer-predisposing syndrome. Also called: Neoplastic Syndromes, Hereditary; Tumor predisposition; Hereditary Cancer Syndrome; Hereditary neoplastic syndrome. Identifiers: Orphanet 140162, MedGen C0027672, MeSH D009386, MONDO:0015356.

Allele frequency attached by ClinVar (database versions not stated): gnomAD exomes below 0.00001.

Submission:

Ambry Genetics
Classification: Uncertain significance for Hereditary cancer-predisposing syndrome. Last evaluated: 2024-09-22. Review status: criteria provided, single submitter. Criteria: Ambry Variant Classification Scheme 2023. Collection method: clinical testing. Allele origin: germline.
Comment: The c.-2C>T variant is located in the 5' untranslated region (5&rsquo; UTR) of the AXIN2 gene. This variant results from a C to T substitution 2 bases upstream from the first translated codon. This nucleotide position is highly conserved in available vertebrate species. Based on the available evidence, the clinical significance of this variant remains unclear.